The following is an entry in ClinVar:

ClinVar aggregate classification (germline): Uncertain significance (1 of 4 stars; one submission).

Allele frequency attached by ClinVar (database versions not stated): gnomAD exomes below 0.00001 and 0.00001; TOPMed 0.00001; gnomAD 0.00002.
gnomAD v4.1: 4 of 1,569,886 alleles (0.00025%); highest among the groups gnomAD compares: Admixed American, 0.0075%; no homozygotes.

Submission:

Labcorp Genetics (formerly Invitae), Labcorp
Classification: Uncertain significance. Last evaluated: 2023-10-13. Review status: criteria provided, single submitter. Criteria: Invitae Variant Classification Sherloc (09022015). Collection method: clinical testing. Allele origin: germline.
Comment: This sequence change replaces glutamic acid with valine at codon 1409 of the MYO18B protein (p.Glu1409Val). The glutamic acid residue is moderately conserved and there is a moderate physicochemical difference between glutamic acid and valine. The frequency data for this variant in the population databases is considered unreliable, as metrics indicate poor data quality at this position in the gnomAD database. This variant has not been reported in the literature in individuals affected with MYO18B-related conditions. ClinVar contains an entry for this variant (Variation ID: 1478874). An algorithm developed to predict the effect of missense changes on protein structure and function (PolyPhen-2) suggests that this variant is likely to be disruptive. In summary, the available evidence is currently insufficient to determine the role of this variant in disease. Therefore, it has been classified as a Variant of Uncertain Significance.

NM_032608.7(MYO18B):c.4226A>T (p.Glu1409Val)

Gene: MYO18B (myosin XVIIIB; plus strand). Cytogenetic location: 22q12.1.
Variant type: single nucleotide variant.
Coding change: c.4226A>T on transcript NM_032608.7 (MANE Select); coding-DNA position 4226, A replaced by T.
Protein change: p.Glu1409Val; replaces glutamic acid 1409 with valine.
Molecular consequence: missense variant.
Genome position (GRCh38, 1-based): chr22:25,877,960, A>T. VCF-style: chr22-25877960-A-T. GRCh37 (hg19) VCF-style: chr22-26273927-A-T.
Other names: c.4229A>T, p.Glu1410Val (NM_001318245.2); short protein forms E1410V, E1409V.
Identifiers: ClinVar variation 1478874 (VCV001478874.6), dbSNP rs1371180395, ClinGen allele CA411007883.